The following is an entry in ClinVar:

ClinVar aggregate classification (germline): Uncertain significance (1 of 4 stars; one submission).

Submission:

Labcorp Genetics (formerly Invitae), Labcorp
Classification: Uncertain significance. Last evaluated: 2025-03-25. Review status: criteria provided, single submitter. Criteria: Invitae Variant Classification Sherloc (09022015). Collection method: clinical testing. Allele origin: germline.
Comment: This sequence change replaces isoleucine, which is neutral and non-polar, with valine, which is neutral and non-polar, at codon 530 of the FOCAD protein (p.Ile530Val). This variant is not present in population databases (gnomAD no frequency). This variant has not been reported in the literature in individuals affected with FOCAD-related conditions. Experimental studies and prediction algorithms are not available or were not evaluated, and the functional significance of this variant is currently unknown. In summary, the available evidence is currently insufficient to determine the role of this variant in disease. Therefore, it has been classified as a Variant of Uncertain Significance.

NM_001375567.1(FOCAD):c.1588A>G (p.Ile530Val)

Gene: FOCAD (focadhesin; plus strand). Cytogenetic location: 9p21.3.
Variant type: single nucleotide variant.
Coding change: c.1588A>G on transcript NM_001375567.1 (MANE Select); coding-DNA position 1588, A replaced by G.
Protein change: p.Ile530Val; replaces isoleucine 530 with valine.
Molecular consequence: missense variant.
Genome position (GRCh38, 1-based): chr9:20,820,351, A>G. VCF-style: chr9-20820351-A-G. GRCh37 (hg19) VCF-style: chr9-20820350-A-G.
Other names: c.1483A>G, p.Ile495Val (NM_001375568.1, NM_001375570.1); c.1588A>G, p.Ile530Val (NM_017794.5); short protein forms I495V, I530V.
Identifiers: ClinVar variation 4714307 (VCV004714307.1).
Genomic context (GRCh38, chr9:20,820,351, plus strand): 5'-TTATGCAACTAGAGTTTCTTCAATATTTTCTAGGTGTGTATAGGACAAATTCTACGAATA[A>G]TACAACTACTTGGAACCACACCACGACTAAGAGCTGTCACTTTGCGCTTGCTGACATCTT-3'
Protein context (NP_001362496.1, residues 520-540): KVCIGQILRI[Ile530Val]QLLGTTPRLR